The following is an entry in ClinVar:

NM_001128205.2(SULF1):c.5A>G (p.Lys2Arg)

Gene: SULF1 (sulfatase 1; plus strand). Cytogenetic location: 8q13.2.
Variant type: single nucleotide variant.
Coding change: c.5A>G on transcript NM_001128205.2 (MANE Select); coding-DNA position 5, A replaced by G.
Protein change: p.Lys2Arg; replaces lysine 2 with arginine.
Molecular consequence: missense variant. On other transcripts: non-coding transcript variant (2).
Genome position (GRCh38, 1-based): chr8:69,563,980, A>G. VCF-style: chr8-69563980-A-G. GRCh37 (hg19) VCF-style: chr8-70476215-A-G.
Other names: c.5A>G, p.Lys2Arg (NM_001128204.2, NM_001128206.2, NM_001412828.1 and 19 more transcripts); c.-205A>G (NM_001412841.1, NM_001412842.1); c.-522A>G (NM_001412844.1, NM_001412845.1); c.-1697A>G (NM_001412846.1); short protein forms K2R.
Identifiers: ClinVar variation 1901937 (VCV001901937.5), dbSNP rs1437157938, ClinGen allele CA371228267.

ClinVar aggregate classification (germline): Uncertain significance (1 of 4 stars; one submission).

Allele frequency attached by ClinVar (database versions not stated): gnomAD exomes 0.00001; TOPMed 0.00001; gnomAD 0.00002.
gnomAD v4.1: 23 of 1,613,996 alleles (0.0014%); highest among the groups gnomAD compares: East Asian, 0.0067%; no homozygotes.

Submission:

Labcorp Genetics (formerly Invitae), Labcorp
Classification: Uncertain significance. Last evaluated: 2022-06-22. Review status: criteria provided, single submitter. Criteria: Invitae Variant Classification Sherloc (09022015). Collection method: clinical testing. Allele origin: germline.
Comment: This sequence change replaces lysine, which is basic and polar, with arginine, which is basic and polar, at codon 2 of the SULF1 protein (p.Lys2Arg). This variant is present in population databases (no rsID available, gnomAD 0.003%). In summary, the available evidence is currently insufficient to determine the role of this variant in disease. Therefore, it has been classified as a Variant of Uncertain Significance. Algorithms developed to predict the effect of missense changes on protein structure and function (SIFT, PolyPhen-2, Align-GVGD) all suggest that this variant is likely to be tolerated. This variant has not been reported in the literature in individuals affected with SULF1-related conditions.